The following is an entry in ClinVar:

NM_002878.4(RAD51D):c.931A>T (p.Ile311Phe)

Genes: RAD51D (RAD51 paralog D; minus strand), RAD51L3-RFFL (RAD51L3-RFFL readthrough; minus strand). Cytogenetic location: 17q12.
Variant type: single nucleotide variant.
Coding change: c.931A>T on transcript NM_002878.4 (MANE Select); coding-DNA position 931, A replaced by T.
Protein change: p.Ile311Phe; replaces isoleucine 311 with phenylalanine.
Molecular consequence: missense variant. On other transcripts: non-coding transcript variant (2).
Genome position (GRCh38, 1-based): chr17:35,101,009, T>A on the plus strand (A>T on the coding strand, the complement: RAD51D is on the minus strand). VCF-style: chr17-35101009-T-A. GRCh37 (hg19) VCF-style: chr17-33428028-T-A.
Other names: c.991A>T, p.Ile331Phe (NM_001142571.2); c.595A>T, p.Ile199Phe (NM_133629.3); short protein forms I199F, I311F, I331F.
Identifiers: ClinVar variation 2448043 (VCV002448043.2), dbSNP rs755265519, ClinGen allele CA399086134.
Genomic context (GRCh38, chr17:35,101,009, plus strand): 5'-CAGGTCATGTCTGATCACCCTGTAATGTGGCACTCTGCTCTGAGGTCCCCCAGGTCCCAA[T>A]GTCTACCATCTCCTGGAAACCTGTTGGCTGGAAGAAGAAGTAAGGAGTCAGTGGAGTTAA-3'
Protein context (NP_002869.3, residues 301-321): QPTGFQEMVD[Ile311Phe]GTWGTSEQSA

ClinVar aggregate classification (germline): Uncertain significance (1 of 4 stars; one submission).

Conditions:
Hereditary cancer-predisposing syndrome. Also called: Neoplastic Syndromes, Hereditary; Hereditary Cancer Syndrome; Tumor predisposition; Hereditary neoplastic syndrome. Identifiers: Orphanet 140162, MedGen C0027672, MeSH D009386, MONDO:0015356.

Submission:

Ambry Genetics
Classification: Uncertain significance for Hereditary cancer-predisposing syndrome. Last evaluated: 2022-11-16. Review status: criteria provided, single submitter. Criteria: Ambry Variant Classification Scheme 2023. Collection method: clinical testing. Allele origin: germline.
Comment: The p.I311F variant (also known as c.931A>T), located in coding exon 10 of the RAD51D gene, results from an A to T substitution at nucleotide position 931. The isoleucine at codon 311 is replaced by phenylalanine, an amino acid with highly similar properties. This amino acid position is conserved. In addition, this alteration is predicted to be tolerated by in silico analysis. Since supporting evidence is limited at this time, the clinical significance of this alteration remains unclear.